The following is an entry in ClinVar:

NM_001112726.3(CEP170B):c.198G>A (p.Thr66=)

Gene: CEP170B (centrosomal protein 170B; plus strand). Cytogenetic location: 14q32.33.
Variant type: single nucleotide variant.
Coding change: c.198G>A on transcript NM_001112726.3 (MANE Select); coding-DNA position 198, G replaced by A.
Protein change: p.Thr66=; no amino-acid change (threonine 66 retained).
Molecular consequence: synonymous variant. On other transcripts: 5 prime UTR variant (1).
Genome position (GRCh38, 1-based): chr14:104,877,887, G>A. VCF-style: chr14-104877887-G-A. GRCh37 (hg19) VCF-style: chr14-105344224-G-A.
Other names: c.-13G>A (NM_015005.3); c.198G>A (NM_001112726.2).
Identifiers: ClinVar variation 2644623 (VCV002644623.25), dbSNP rs115886672, ClinGen allele CA7375166.

ClinVar aggregate classification (germline): Likely benign. Review status: criteria provided, single submitter (1 of 4 stars). 2 submissions from 2 submitters: Likely benign (1). 1 of the submissions does not count toward it. Last evaluated 2022-05-01.

Conditions:
CEP170B-related disorder. Also called: CEP170B-related condition.

Allele frequency attached by ClinVar (database versions not stated): gnomAD exomes 0.00031; ExAC 0.00082; gnomAD 0.00120; 1000 Genomes Project 0.00220; ESP Exome Variant Server 0.00131; TOPMed 0.00165; 1000 Genomes Project 30x 0.00203.
gnomAD v4.1: 529 of 1,348,658 alleles (0.039%); highest among the groups gnomAD compares: African/African-American, 0.49%; no homozygotes.

Submissions (2):

CeGaT Center for Human Genetics Tuebingen
Classification: Likely benign. Last evaluated: 2022-05-01. Review status: criteria provided, single submitter. Criteria: CeGaT Center For Human Genetics Tuebingen Variant Classification Criteria Version 2. Collection method: clinical testing. Allele origin: germline. Affected: yes. Observed: 1 variant allele.
Comment: CEP170B: BP4, BP7

PreventionGenetics, part of Exact Sciences
Classification: Likely benign for CEP170B-related condition. Last evaluated: 2019-12-13. Review status: no assertion criteria provided. Collection method: clinical testing. Allele origin: germline. Not counted in ClinVar's aggregate classification.
Comment: This variant is classified as likely benign based on ACMG/AMP sequence variant interpretation guidelines (Richards et al. 2015 PMID: 25741868, with internal and published modifications).